The following is an entry in ClinVar:

ClinVar aggregate classification (germline): Uncertain significance (1 of 4 stars; one submission).

Conditions:
Hereditary sensory neuropathy-deafness-dementia syndrome. Also called: HSN IE; NEUROPATHY, HEREDITARY SENSORY, WITH HEARING LOSS AND DEMENTIA; Hereditary Sensory and Autonomic Neuropathy Type 1E (HSAN1E); Hereditary sensory neuropathy type IE. Identifiers: Orphanet 456318, MedGen C3279885, MONDO:0013584, OMIM 614116.

Submission:

Labcorp Genetics (formerly Invitae), Labcorp
Classification: Uncertain significance for Hereditary sensory neuropathy-deafness-dementia syndrome. Last evaluated: 2018-10-11. Review status: criteria provided, single submitter. Criteria: Invitae Variant Classification Sherloc (09022015). Collection method: clinical testing. Allele origin: germline.
Comment: This variant is not present in population databases (ExAC no frequency). This sequence change replaces alanine with serine at codon 311 of the DNMT1 protein (p.Ala311Ser). The alanine residue is weakly conserved and there is a moderate physicochemical difference between alanine and serine. In summary, the available evidence is currently insufficient to determine the role of this variant in disease. Therefore, it has been classified as a Variant of Uncertain Significance. Algorithms developed to predict the effect of missense changes on protein structure and function output the following: SIFT: "Tolerated"; PolyPhen-2: "Benign"; Align-GVGD: "Class C0". The serine amino acid residue is found in multiple mammalian species, suggesting that this missense change does not adversely affect protein function. These predictions have not been confirmed by published functional studies and their clinical significance is uncertain. This variant has not been reported in the literature in individuals with DNMT1-related disease.

NM_001130823.3(DNMT1):c.931G>T (p.Ala311Ser)

Gene: DNMT1 (DNA methyltransferase 1; minus strand). Cytogenetic location: 19p13.2.
Variant type: single nucleotide variant.
Coding change: c.931G>T on transcript NM_001130823.3 (MANE Select); coding-DNA position 931, G replaced by T.
Protein change: p.Ala311Ser; replaces alanine 311 with serine.
Molecular consequence: missense variant.
Genome position (GRCh38, 1-based): chr19:10,162,744, C>A on the plus strand (G>T on the coding strand, the complement: DNMT1 is on the minus strand). VCF-style: chr19-10162744-C-A. GRCh37 (hg19) VCF-style: chr19-10273420-C-A.
Other names: c.931G>T (LRG_362t1); c.883G>T, p.Ala295Ser (NM_001318730.2, NM_001379.4); c.568G>T, p.Ala190Ser (NM_001318731.2); short protein forms A190S, A295S, A311S.
Identifiers: ClinVar variation 649606 (VCV000649606.8), dbSNP rs1599375718, ClinGen allele CA403940911.